The following is an entry in ClinVar:

NM_001256545.2(MEGF10):c.1042G>A (p.Glu348Lys)

Gene: MEGF10 (multiple EGF like domains 10; plus strand). Cytogenetic location: 5q23.2.
Variant type: single nucleotide variant.
Coding change: c.1042G>A on transcript NM_001256545.2 (MANE Select); coding-DNA position 1042, G replaced by A.
Protein change: p.Glu348Lys; replaces glutamic acid 348 with lysine.
Molecular consequence: missense variant.
Genome position (GRCh38, 1-based): chr5:127,410,513, G>A. VCF-style: chr5-127410513-G-A. GRCh37 (hg19) VCF-style: chr5-126746205-G-A.
Other names: c.1042G>A, p.Glu348Lys (NM_001308119.2, NM_001308121.2, NM_032446.3); short protein forms E348K.
Identifiers: ClinVar variation 1441859 (VCV001441859.6), dbSNP rs770250098, ClinGen allele CA3391464.
Genomic context (GRCh38, chr5:127,410,513, plus strand): 5'-AACGGAGGGAAGTGTTACCACGTGAGCGGCGCATGCCTCTGTGAAGCAGGCTTTGCTGGC[G>A]AGCGCTGCGAAGCACGCCTGTGTCCTGAGGGGCTCTACGGCATCAAATGTGACAAACGGT-3'
Protein context (NP_001243474.1, residues 338-358): ACLCEAGFAG[Glu348Lys]RCEARLCPEG

ClinVar aggregate classification (germline): Uncertain significance (1 of 4 stars; one submission).

Conditions:
MEGF10-related myopathy (CMYO10A). Also called: Congenital myopathy 10A, severe variant. Identifiers: Orphanet 439212, MedGen C3280679, MONDO:0013731, OMIM 614399.

Allele frequency attached by ClinVar (database versions not stated): gnomAD 0.00001; ExAC 0.00002; gnomAD exomes 0.00002; TOPMed 0.00002.
gnomAD v4.1: 9 of 1,613,826 alleles (0.00056%); highest among the groups gnomAD compares: East Asian, 0.0045%; no homozygotes.

Submission:

Labcorp Genetics (formerly Invitae), Labcorp
Classification: Uncertain significance for MEGF10-related myopathy. Last evaluated: 2024-02-24. Review status: criteria provided, single submitter. Criteria: Invitae Variant Classification Sherloc (09022015). Collection method: clinical testing. Allele origin: germline.
Comment: This sequence change replaces glutamic acid, which is acidic and polar, with lysine, which is basic and polar, at codon 348 of the MEGF10 protein (p.Glu348Lys). This variant is present in population databases (rs770250098, gnomAD 0.03%). This variant has not been reported in the literature in individuals affected with MEGF10-related conditions. ClinVar contains an entry for this variant (Variation ID: 1441859). Advanced modeling of protein sequence and biophysical properties (such as structural, functional, and spatial information, amino acid conservation, physicochemical variation, residue mobility, and thermodynamic stability) performed at Invitae indicates that this missense variant is not expected to disrupt MEGF10 protein function with a negative predictive value of 80%. In summary, the available evidence is currently insufficient to determine the role of this variant in disease. Therefore, it has been classified as a Variant of Uncertain Significance.